The following is an entry in ClinVar:

ClinVar aggregate classification (germline): Benign (1 of 4 stars; one submission).

Allele frequency attached by ClinVar (database versions not stated): TOPMed 0.14008; gnomAD 0.14469; gnomAD exomes 0.18160; 1000 Genomes Project 30x 0.20675; ExAC 0.21828; 1000 Genomes Project 0.21905.
gnomAD v4.1: 216,743 of 1,222,268 alleles (18%); highest among the groups gnomAD compares: East Asian, 58%; 23,121 homozygotes.

Submission:

Unidad de Genómica Garrahan, Hospital de Pediatría Garrahan
Classification: Benign. Last evaluated: 2024-01-24. Review status: criteria provided, single submitter. Criteria: ACMG Guidelines, 2015. Collection method: clinical testing. Allele origin: germline. Affected: no. Observed: 22 variant alleles.
Comment: This variant is classified as Benign based on local population frequency. This variant was detected in 25% of patients studied by a panel of primary immunodeficiencies. Number of patients: 22. Only high quality variants are reported.

NM_001282933.2(ZNF341):c.31+36C>T

Genes: ZNF341 (zinc finger protein 341; plus strand), LOC130065694 (ATAC-STARR-seq lymphoblastoid silent region 12821; plus strand). Cytogenetic location: 20q11.22.
Variant type: single nucleotide variant.
Coding change: c.31+36C>T on transcript NM_001282933.2 (MANE Select); 36 bases into the intron after coding-DNA position 31, C replaced by T.
Molecular consequence: intron variant.
Genome position (GRCh38, 1-based): chr20:33,732,088, C>T. VCF-style: chr20-33732088-C-T. GRCh37 (hg19) VCF-style: chr20-32319894-C-T.
Other names: c.31+36C>T (NM_032819.5); c.-43+36C>T (NM_001282935.2).
Identifiers: ClinVar variation 2688478 (VCV002688478.2), dbSNP rs2281402, ClinGen allele CA9819036.
Genomic context (GRCh38, chr20:33,732,088, plus strand): 5'-CAGGCGATCTTTGAGGCCCTGGAGGGTGAGCGGCGGCGGGGCCGGCGGAGGCGGCTGTTC[C>T]GCGCTGCGCCCCCTCCCGCCGCGCCCTCGCAGCGCCCGGCCTAGGGCGCGCAGCGGCCGC-3'